The following is an entry in ClinVar:

NM_022552.5(DNMT3A):c.576G>A (p.Ala192=)

Gene: DNMT3A (DNA methyltransferase 3 alpha; minus strand). Cytogenetic location: 2p23.3.
Variant type: single nucleotide variant.
Coding change: c.576G>A on transcript NM_022552.5 (MANE Select); coding-DNA position 576, G replaced by A.
Protein change: p.Ala192=; no amino-acid change (alanine 192 retained).
Molecular consequence: synonymous variant. On other transcripts: non-coding transcript variant (1).
Genome position (GRCh38, 1-based): chr2:25,275,004, C>T on the plus strand (G>A on the coding strand, the complement: DNMT3A is on the minus strand). VCF-style: chr2-25275004-C-T. GRCh37 (hg19) VCF-style: chr2-25497873-C-T.
Other names: c.576G>A, p.Ala192= (NM_175629.2).
Identifiers: ClinVar variation 1409997 (VCV001409997.7), dbSNP rs1390745466, ClinGen allele CA425188855.

ClinVar aggregate classification (germline): Likely benign. Review status: criteria provided, single submitter (1 of 4 stars). 2 submissions from 2 submitters: Likely benign (1). 1 of the submissions does not count toward it. Last evaluated 2025-03-29.

Conditions:
Tatton-Brown-Rahman overgrowth syndrome. Also called: Tall stature-intellectual disability-facial dysmorphism syndrome; Tatton-Brown-Rahman syndrome. Identifiers: Orphanet 404443, MedGen C4014545, MONDO:0014382, OMIM 615879.
DNMT3A-related disorder. Also called: DNMT3A-related condition; DNMT3A-related disorders.

Allele frequency attached by ClinVar (database versions not stated): gnomAD 0.00004 and 0.00005; TOPMed 0.00005.
gnomAD v4.1: 44 of 1,613,544 alleles (0.0027%); highest among the groups gnomAD compares: Admixed American, 0.0083%; no homozygotes.

Submissions (2):

Labcorp Genetics (formerly Invitae), Labcorp
Classification: Likely benign for Tatton-Brown-Rahman overgrowth syndrome. Last evaluated: 2025-03-29. Review status: criteria provided, single submitter. Criteria: Invitae Variant Classification Sherloc (09022015). Collection method: clinical testing. Allele origin: germline.

PreventionGenetics, part of Exact Sciences
Classification: Likely benign for DNMT3A-related condition. Last evaluated: 2023-08-09. Review status: no assertion criteria provided. Collection method: clinical testing. Allele origin: germline. Not counted in ClinVar's aggregate classification.
Comment: This variant is classified as likely benign based on ACMG/AMP sequence variant interpretation guidelines (Richards et al. 2015 PMID: 25741868, with internal and published modifications).